The following is an entry in ClinVar:

ClinVar aggregate classification (germline): Uncertain significance (1 of 4 stars; one submission).

Conditions:
Cardiovascular phenotype. Identifiers: MedGen CN230736.

Submission:

Ambry Genetics
Classification: Uncertain significance for Cardiovascular phenotype. Last evaluated: 2021-08-23. Review status: criteria provided, single submitter. Criteria: Ambry Variant Classification Scheme 2023. Collection method: clinical testing. Allele origin: germline.
Comment: The p.A215G variant (also known as c.644C>G), located in coding exon 14 of the COL1A2 gene, results from a C to G substitution at nucleotide position 644. The alanine at codon 215 is replaced by glycine, an amino acid with similar properties. This amino acid position is well conserved in available vertebrate species. In addition, the in silico prediction for this alteration is inconclusive. Since supporting evidence is limited at this time, the clinical significance of this alteration remains unclear.

NM_000089.4(COL1A2):c.644C>G (p.Ala215Gly)

Gene: COL1A2 (collagen type I alpha 2 chain; plus strand). Cytogenetic location: 7q21.3.
Variant type: single nucleotide variant.
Coding change: c.644C>G on transcript NM_000089.4 (MANE Select); coding-DNA position 644, C replaced by G.
Protein change: p.Ala215Gly; replaces alanine 215 with glycine.
Molecular consequence: missense variant.
Genome position (GRCh38, 1-based): chr7:94,408,187, C>G. VCF-style: chr7-94408187-C-G. GRCh37 (hg19) VCF-style: chr7-94037499-C-G.
Other names: short protein forms A215G.
Identifiers: ClinVar variation 1753593 (VCV001753593.2), dbSNP rs753438416, ClinGen allele CA368220235.